The following is an entry in ClinVar:

NM_001386795.1(DTNA):c.1176-2A>G

Gene: DTNA (dystrobrevin alpha; plus strand). Cytogenetic location: 18q12.1.
Variant type: single nucleotide variant.
Coding change: c.1176-2A>G on transcript NM_001386795.1 (MANE Select); the canonical splice acceptor site of the intron before coding-DNA position 1176, A replaced by G.
Molecular consequence: splice acceptor variant. On other transcripts: intron variant (32).
Genome position (GRCh38, 1-based): chr18:34,838,092, A>G. VCF-style: chr18-34838092-A-G. GRCh37 (hg19) VCF-style: chr18-32418056-A-G.
Other names: c.1095-10204A>G (NM_032975.4, NM_001386761.1, NM_001386762.1 and 1 more transcripts); c.1175+8603A>G (NM_001386754.1, NM_001386755.1, NM_001386760.1 and 5 more transcripts); c.1086-10204A>G (NM_001386763.1, NM_001386764.1, NM_001386768.1 and 13 more transcripts); c.604-13739A>G (NM_001198945.2); c.1176-2A>G (NM_001386788.1); c.1086-2A>G (NM_032978.7); c.1095-2A>G (NM_001390.5, NM_001391.5); c.336-10204A>G (NM_001198943.1); and 4 more.
Identifiers: ClinVar variation 1988662 (VCV001988662.4), dbSNP rs955222326, ClinGen allele CA297776652.

ClinVar aggregate classification (germline): Uncertain significance (1 of 4 stars; one submission).

Conditions:
Left ventricular noncompaction 1 (LVNC1). Also called: LEFT VENTRICULAR NONCOMPACTION 1 WITH OR WITHOUT CONGENITAL HEART DEFECTS. Identifiers: Orphanet 54260, MedGen C1858725, MONDO:0011403, OMIM 604169.

gnomAD v4.1: 2 of 1,613,724 alleles (0.00012%); highest among the groups gnomAD compares: Non-Finnish European, 0.00017%; no homozygotes.

Submission:

Labcorp Genetics (formerly Invitae), Labcorp
Classification: Uncertain significance for Left ventricular noncompaction 1. Last evaluated: 2022-03-27. Review status: criteria provided, single submitter. Criteria: Invitae Variant Classification Sherloc (09022015). Collection method: clinical testing. Allele origin: germline.
Comment: In summary, the available evidence is currently insufficient to determine the role of this variant in disease. Therefore, it has been classified as a Variant of Uncertain Significance. Algorithms developed to predict the effect of sequence changes on RNA splicing suggest that this variant may disrupt the consensus splice site. This variant has not been reported in the literature in individuals affected with DTNA-related conditions. This variant is not present in population databases (gnomAD no frequency). This sequence change affects an acceptor splice site in intron 10 of the DTNA gene. It is expected to disrupt RNA splicing. Variants that disrupt the donor or acceptor splice site typically lead to a loss of protein function (PMID: 16199547), however the current clinical and genetic evidence is not sufficient to establish whether loss-of-function variants in DTNA cause disease.

Literature cited by the submitters: PubMed 16199547.